The following is an entry in ClinVar:

NM_004304.5(ALK):c.1154+2T>C

Gene: ALK (ALK receptor tyrosine kinase; minus strand). Cytogenetic location: 2p23.2.
Variant type: single nucleotide variant.
Coding change: c.1154+2T>C on transcript NM_004304.5 (MANE Select); the canonical splice donor site of the intron after coding-DNA position 1154, T replaced by C.
Molecular consequence: splice donor variant.
Genome position (GRCh38, 1-based): chr2:29,531,913, A>G on the plus strand (T>C on the coding strand, the complement: ALK is on the minus strand). VCF-style: chr2-29531913-A-G. GRCh37 (hg19) VCF-style: chr2-29754779-A-G.
Identifiers: ClinVar variation 3855856 (VCV003855856.1).

ClinVar aggregate classification (germline): Uncertain significance (1 of 4 stars; one submission).

Conditions:
Hereditary cancer-predisposing syndrome. Also called: Hereditary neoplastic syndrome; Neoplastic Syndromes, Hereditary; Tumor predisposition; Hereditary Cancer Syndrome. Identifiers: Orphanet 140162, MedGen C0027672, MeSH D009386, MONDO:0015356.

gnomAD v4.1: 1 of 1,614,046 alleles (0.000062%); highest among the groups gnomAD compares: Non-Finnish European, 0.000085%; no homozygotes.

Submission:

Ambry Genetics
Classification: Uncertain significance for Hereditary cancer-predisposing syndrome. Last evaluated: 2025-03-06. Review status: criteria provided, single submitter. Criteria: Ambry Variant Classification Scheme 2023. Collection method: clinical testing. Allele origin: germline.
Comment: The c.1154+2T>C intronic variant results from a T to C substitution two nucleotides after coding exon 4 in the ALK gene. This nucleotide position is highly conserved in available vertebrate species. In silico splice site analysis predicts that this alteration will weaken the native splice donor site. Alterations that disrupt the canonical splice site are expected to cause aberrant splicing, resulting in an abnormal protein or a transcript that is subject to nonsense-mediated mRNA decay; however, +2T>C alterations are capable of generating wild-type transcripts in some genomic contexts and should be interpreted with caution (Lin JH et al. Hum Mutat. 2019 10;40:1856-1873). Additionally, loss of function of ALK has not been established as a mechanism of disease. Based on the available evidence, the clinical significance of this alteration remains unclear.